The following is an entry in ClinVar:

NM_001005242.3(PKP2):c.1696A>G (p.Ile566Val)

Gene: PKP2 (plakophilin 2; minus strand). Cytogenetic location: 12p11.21.
Variant type: single nucleotide variant.
Coding change: c.1696A>G on transcript NM_001005242.3 (MANE Select); coding-DNA position 1696, A replaced by G.
Protein change: p.Ile566Val; replaces isoleucine 566 with valine.
Molecular consequence: missense variant.
Genome position (GRCh38, 1-based): chr12:32,822,610, T>C on the plus strand (A>G on the coding strand, the complement: PKP2 is on the minus strand). VCF-style: chr12-32822610-T-C. GRCh37 (hg19) VCF-style: chr12-32975544-T-C.
Other names: c.1828A>G, p.Ile610Val (NM_004572.4); short protein forms I610V, I566V.
Identifiers: ClinVar variation 201995 (VCV000201995.11), dbSNP rs794729110, ClinGen allele CA011472.

ClinVar aggregate classification (germline): Uncertain significance. Review status: criteria provided, multiple submitters, no conflicts (2 of 4 stars). 4 submissions from 4 submitters: Uncertain significance (4). Last evaluated 2024-12-30.

Conditions:
Arrhythmogenic right ventricular cardiomyopathy (ARVD). Also called: Arrhythmogenic Right Ventricular Cardiomyopathy (ARVC); Cardiomyopathy, ARVC; Arrhythmogenic cardiomyopathy; Arrhythmogenic right ventricular dysplasia. Identifiers: Orphanet 247, MedGen C0349788, MeSH D019571, MONDO:0016587. Disease mechanism: loss of function. Inheritance: Various modes of inheritance.
Cardiomyopathy (CMYO). Also called: Cardiomyopathies. Identifiers: Orphanet 167848, MedGen C0878544, MONDO:0004994, HP:0001638. Inheritance: Various modes of inheritance.
Arrhythmogenic right ventricular dysplasia 9 (ARVD9). Also called: Arrhythmogenic Right Ventricular Dysplasia/Cardiomyopathy 9; ARRHYTHMOGENIC RIGHT VENTRICULAR DYSPLASIA, FAMILIAL, 9. Identifiers: MedGen C1836906, MONDO:0012180, OMIM 609040.

Submissions (4):

Labcorp Genetics (formerly Invitae), Labcorp
Classification: Uncertain significance for Arrhythmogenic right ventricular dysplasia 9. Last evaluated: 2024-12-30. Review status: criteria provided, single submitter. Criteria: Invitae Variant Classification Sherloc (09022015). Collection method: clinical testing. Allele origin: germline.
Comment: This sequence change replaces isoleucine, which is neutral and non-polar, with valine, which is neutral and non-polar, at codon 610 of the PKP2 protein (p.Ile610Val). This variant is not present in population databases (gnomAD no frequency). This variant has not been reported in the literature in individuals affected with PKP2-related conditions. ClinVar contains an entry for this variant (Variation ID: 201995). An algorithm developed to predict the effect of missense changes on protein structure and function outputs the following: PolyPhen-2: "Benign". The valine amino acid residue is found in multiple mammalian species, which suggests that this missense change does not adversely affect protein function. In summary, the available evidence is currently insufficient to determine the role of this variant in disease. Therefore, it has been classified as a Variant of Uncertain Significance.

All of Us Research Program, National Institutes of Health
Classification: Uncertain significance for Arrhythmogenic right ventricular cardiomyopathy. Last evaluated: 2023-06-08. Review status: criteria provided, single submitter. Criteria: ACMG Guidelines, 2015. Collection method: clinical testing. Allele origin: germline. Inheritance: Autosomal dominant inheritance. Observed: 1 variant allele, 1 heterozygote.
Comment: This missense variant replaces isoleucine with valine at codon 610 of the PKP2 protein. Computational prediction suggests that this variant may not impact protein structure and function (internally defined REVEL score threshold <= 0.5, PMID: 27666373). Splice site prediction tools suggest that this variant may not impact RNA splicing. To our knowledge, functional studies have not been performed for this variant. This variant has not been reported in individuals affected with cardiovascular disorders in the literature. This variant has not been identified in the general population by the Genome Aggregation Database (gnomAD). The available evidence is insufficient to determine the role of this variant in disease conclusively. Therefore, this variant is classified as a Variant of Uncertain Significance.

This study involves interpretation of variants in research participants for the purpose of population health screening. Participant phenotype was not available at the time of variant classification. Additional details can be found in publication PMID: 35346344, PMCID: PMC8962531

Color Diagnostics, LLC DBA Color Health
Classification: Uncertain significance for Cardiomyopathy. Last evaluated: 2023-03-10. Review status: criteria provided, single submitter. Criteria: ACMG Guidelines, 2015. Collection method: clinical testing. Allele origin: germline.
Comment: This missense variant replaces isoleucine with valine at codon 610 of the PKP2 protein. Computational prediction suggests that this variant may not impact protein structure and function (internally defined REVEL score threshold <= 0.5, PMID: 27666373). To our knowledge, functional studies have not been reported for this variant. This variant has not been reported in individuals affected with PKP2-related disorders in the literature. This variant has not been identified in the general population by the Genome Aggregation Database (gnomAD). The available evidence is insufficient to determine the role of this variant in disease conclusively. Therefore, this variant is classified as a Variant of Uncertain Significance.

Stanford Center for Inherited Cardiovascular Disease, Stanford University
Classification: Uncertain significance. Last evaluated: 2013-10-01. Review status: criteria provided, single submitter. Criteria: ACMG Guidelines, 2015. Collection method: provider interpretation. Allele origin: germline.